The following is an entry in ClinVar:

NM_199420.4(POLQ):c.5588C>G (p.Thr1863Arg)

Gene: POLQ (DNA polymerase theta; minus strand). Cytogenetic location: 3q13.33.
Variant type: single nucleotide variant.
Coding change: c.5588C>G on transcript NM_199420.4 (MANE Select); coding-DNA position 5588, C replaced by G.
Protein change: p.Thr1863Arg; replaces threonine 1863 with arginine.
Molecular consequence: missense variant.
Genome position (GRCh38, 1-based): chr3:121,487,343, G>C on the plus strand (C>G on the coding strand, the complement: POLQ is on the minus strand). VCF-style: chr3-121487343-G-C. GRCh37 (hg19) VCF-style: chr3-121206190-G-C.
Other names: short protein forms T1863R.
Identifiers: ClinVar variation 2448974 (VCV002448974.2), dbSNP rs1415086436, ClinGen allele CA354089847.

ClinVar aggregate classification (germline): Uncertain significance (1 of 4 stars; one submission).

Allele frequency attached by ClinVar (database versions not stated): TOPMed below 0.00001; gnomAD 0.00001.
gnomAD v4.1: 2 of 1,610,130 alleles (0.00012%); highest among the groups gnomAD compares: Non-Finnish European, 0.00017%; no homozygotes.

Submission:

Ambry Genetics
Classification: Uncertain significance. Last evaluated: 2023-01-08. Review status: criteria provided, single submitter. Criteria: Ambry Variant Classification Scheme 2023. Collection method: clinical testing. Allele origin: germline.
Comment: The p.T1863R variant (also known as c.5588C>G), located in coding exon 16 of the POLQ gene, results from a C to G substitution at nucleotide position 5588. The threonine at codon 1863 is replaced by arginine, an amino acid with similar properties. This amino acid position is conserved. In addition, this alteration is predicted to be tolerated by in silico analysis. Since supporting evidence is limited at this time, the clinical significance of this alteration remains unclear.